The following is an entry in ClinVar:

NM_007294.4(BRCA1):c.35A>C (p.Gln12Pro)

Gene: BRCA1 (BRCA1 DNA repair associated; minus strand). Cytogenetic location: 17q21.31.
Variant type: single nucleotide variant.
Coding change: c.35A>C on transcript NM_007294.4 (MANE Select); coding-DNA position 35, A replaced by C.
Protein change: p.Gln12Pro; replaces glutamine 12 with proline.
Molecular consequence: missense variant. On other transcripts: 5 prime UTR variant (1), non-coding transcript variant (1).
Genome position (GRCh38, 1-based): chr17:43,124,062, T>G on the plus strand (A>C on the coding strand, the complement: BRCA1 is on the minus strand). VCF-style: chr17-43124062-T-G. GRCh37 (hg19) VCF-style: chr17-41276079-T-G.
Other names: c.-154A>C (NM_001407853.1, NM_001407879.1, NM_001407882.1 and 46 more transcripts); c.35A>C, p.Gln12Pro (NM_001407854.1, NM_001407858.1, NM_001407859.1 and 193 more transcripts); c.-100A>C (NM_001407881.1, NM_001407898.1, NM_001407902.1); c.-270A>C (NM_001407889.1, NM_001408492.1); c.-273A>C (NM_001407917.1, NM_001407954.1, NM_001408513.1); c.-252A>C (NM_001407920.1, NM_001407697.1, NM_001407846.1); c.-226A>C (NM_001407921.1, NM_001407923.1, NM_001407927.1 and 22 more transcripts); c.-53A>C (NM_001407924.1, NM_001407925.1, NM_001407928.1 and 23 more transcripts); and 8 more; short protein forms Q12P.
Identifiers: ClinVar variation 867703 (VCV000867703.14), dbSNP rs1555601006, ClinGen allele CA10602093.
Genomic context (GRCh38, chr17:43,124,062, plus strand): 5'-CTTGTGCTGACTTACCAGATGGGACACTCTAAGATTTTCTGCATAGCATTAATGACATTT[T>G]GTACTTCTTCAACGCGAAGAGCAGATAAATCCATTTCTTTCTGTTCCAATGAACTTTAAC-3'
Protein context (NP_009225.1, residues 2-22): DLSALRVEEV[Gln12Pro]NVINAMQKIL

ClinVar aggregate classification (germline): Conflicting classifications of pathogenicity. Review status: criteria provided, conflicting classifications (1 of 4 stars). 3 submissions from 3 submitters: Likely pathogenic (1); Uncertain significance (2). Last evaluated 2025-10-14.

Conditions:
Hereditary breast ovarian cancer syndrome. Also called: Hereditary breast and ovarian cancer; Hereditary breast and ovarian cancer syndrome (HBOC); Breast and ovarian cancer; Hereditary breast and/or ovarian cancer syndrome; BRCA1- and BRCA2-Associated Hereditary Breast and Ovarian Cancer; Hereditary breast and ovarian cancer syndrome. Identifiers: Orphanet 145, MedGen C0677776, MeSH D061325, MONDO:0003582. Disease mechanism: loss of function.
Hereditary cancer-predisposing syndrome. Also called: Neoplastic Syndromes, Hereditary; Tumor predisposition; Hereditary Cancer Syndrome; Hereditary neoplastic syndrome. Identifiers: Orphanet 140162, MedGen C0027672, MeSH D009386, MONDO:0015356.

Allele frequency attached by ClinVar (database versions not stated): gnomAD 0.00001.
gnomAD v4.1: 1 of 1,613,850 alleles (0.000062%); highest among the groups gnomAD compares: Non-Finnish European, 0.000085%; no homozygotes.

Submissions (4):

German Consortium for Hereditary Breast and Ovarian Cancer, University Hospital Cologne
Classification: Uncertain significance for Hereditary breast ovarian cancer syndrome. Last evaluated: 2025-10-14. Review status: criteria provided, single submitter. Criteria: ClinGen BRCA1 V1.1.0. Collection method: curation. Allele origin: germline.
Comment: This classification follows the ClinGen ENIGMA BRCA1 v1.1.0 classification scheme; We chose this criterion: PS3 (strong pathogenic): Reported by two calibrated studies to exhibit protein function similar to pathogenic control variants (PMIDs:30209399, 32546644)

Ambry Genetics
Classification: Likely pathogenic for Hereditary cancer-predisposing syndrome. Last evaluated: 2024-01-10. Review status: criteria provided, single submitter. Criteria: Ambry Variant Classification Scheme 2023. Collection method: clinical testing. Allele origin: germline.
Comment: The p.Q12P variant (also known as c.35A>C), located in coding exon 1 of the BRCA1 gene, results from an A to C substitution at nucleotide position 35. The glutamine at codon 12 is replaced by proline, an amino acid with similar properties. One functional study found that this nucleotide substitution is non-functional in a high throughput genome editing haploid cell survival assay (Findlay GM et al. Nature, 2018 Oct;562:217-222). Based on internal structural analysis, Q12P is deleterious; the variant is highly destabilizing to the local structure (Ambry internal data). This amino acid position is well conserved in available vertebrate species. In addition, this alteration is predicted to be deleterious by in silico analysis. This variant is considered to be rare based on population cohorts in the Genome Aggregation Database (gnomAD). Based on the majority of available evidence to date, this variant is likely to be pathogenic.

Labcorp Genetics (formerly Invitae), Labcorp
Classification: Uncertain significance for Hereditary breast ovarian cancer syndrome. Last evaluated: 2020-07-02. Review status: criteria provided, single submitter. Criteria: Invitae Variant Classification Sherloc (09022015). Collection method: clinical testing. Allele origin: germline.
Comment: This variant is not present in population databases (ExAC no frequency). In summary, the available evidence is currently insufficient to determine the role of this variant in disease. Therefore, it has been classified as a Variant of Uncertain Significance. This variant has been reported to affect BRCA1 protein function (PMID: 30209399). This variant has been reported in individuals in the Leiden Open-source Variation Database (PMID: 21520333). ClinVar contains an entry for this variant (Variation ID: 867703). This sequence change replaces glutamine with proline at codon 12 of the BRCA1 protein (p.Gln12Pro). The glutamine residue is moderately conserved and there is a moderate physicochemical difference between glutamine and proline.

Brotman Baty Institute, University of Washington
No classification provided (evidence only). Condition: Breast-ovarian cancer, familial 1. Review status: no classification provided. Collection method: in vitro. Allele origin: not applicable. Functional consequence: functionally_abnormal. Not counted in ClinVar's aggregate classification.
ClinVar note: "not provided" was previously submitted as the classification for the variant. However, the classification appeared to be based only on an observation of functional data so it was converted to no classification on 2025-07-30.

Literature cited by the submitters: PubMed 30209399 (cited by Ambry Genetics and Labcorp Genetics (formerly Invitae), Labcorp); PubMed 21520333 (cited by Labcorp Genetics (formerly Invitae), Labcorp).